The following is an entry in ClinVar:

ClinVar aggregate classification (germline): Uncertain significance. Review status: criteria provided, multiple submitters, no conflicts (2 of 4 stars). 2 submissions from 2 submitters: Uncertain significance (2). Last evaluated 2025-09-01.

Conditions:
Inborn genetic diseases. Identifiers: MedGen C0950123, MeSH D030342.

Allele frequency attached by ClinVar (database versions not stated): ExAC 0.00003; gnomAD 0.00003; 1000 Genomes Project 30x 0.00031; gnomAD exomes 0.00007; 1000 Genomes Project 0.00020.
gnomAD v4.1: 104 of 1,613,792 alleles (0.0064%); highest among the groups gnomAD compares: Non-Finnish European, 0.0084%; no homozygotes.

Submissions (2):

Labcorp Genetics (formerly Invitae), Labcorp
Classification: Uncertain significance. Last evaluated: 2025-09-01. Review status: criteria provided, single submitter. Criteria: Invitae Variant Classification Sherloc (09022015). Collection method: clinical testing. Allele origin: germline.
Comment: This sequence change replaces serine, which is neutral and polar, with asparagine, which is neutral and polar, at codon 854 of the MECOM protein (p.Ser854Asn). This variant is present in population databases (rs115322445, gnomAD 0.004%). This variant has not been reported in the literature in individuals affected with MECOM-related conditions. ClinVar contains an entry for this variant (Variation ID: 2756395). An algorithm developed to predict the effect of missense changes on protein structure and function (PolyPhen-2) suggests that this variant is likely to be tolerated. In summary, the available evidence is currently insufficient to determine the role of this variant in disease. Therefore, it has been classified as a Variant of Uncertain Significance.

Ambry Genetics
Classification: Uncertain significance for Inborn genetic diseases. Last evaluated: 2025-03-26. Review status: criteria provided, single submitter. Criteria: Ambry Variant Classification Scheme 2023. Collection method: clinical testing. Allele origin: germline.

NM_004991.4(MECOM):c.3125G>A (p.Ser1042Asn)

Gene: MECOM (MDS1 and EVI1 complex locus; minus strand). Cytogenetic location: 3q26.2.
Variant type: single nucleotide variant.
Coding change: c.3125G>A on transcript NM_004991.4 (MANE Select); coding-DNA position 3125, G replaced by A.
Protein change: p.Ser1042Asn; replaces serine 1042 with asparagine.
Molecular consequence: missense variant.
Genome position (GRCh38, 1-based): chr3:169,092,997, C>T on the plus strand (G>A on the coding strand, the complement: MECOM is on the minus strand). VCF-style: chr3-169092997-C-T. GRCh37 (hg19) VCF-style: chr3-168810785-C-T.
Other names: c.2756G>A, p.Ser919Asn (NM_001105077.4); c.2561G>A, p.Ser854Asn (NM_001105078.4, NM_001205194.2, NM_001366469.2 and 1 more transcripts); c.2537G>A, p.Ser846Asn (NM_001163999.2, NM_001366470.2); c.3125G>A (NM_004991.3); c.2534G>A, p.Ser845Asn (NM_001164000.2, NM_001366471.2, NM_001366472.2); c.3098G>A, p.Ser1033Asn (NM_001366466.2); c.2564G>A, p.Ser855Asn (NM_001366467.2, NM_001366468.2); c.2126G>A, p.Ser709Asn (NM_001366473.2); and 1 more; short protein forms S919N, S1042N, S854N, S1033N, S521N, S709N, S845N, S846N.
Identifiers: ClinVar variation 2756395 (VCV002756395.5), dbSNP rs115322445, ClinGen allele CA2695981.
Genomic context (GRCh38, chr3:169,092,997, plus strand): 5'-AAAAGTAAAAGACAGCTTTACCTCTCCTCCACATTCCTGGGAGATTGGCTGCCATGGTTG[C>T]TGTTCCCAATGAAATTTCGAATTTCTGTGAAGTAAGCATCTTCTTTGTCATCCAGAATCG-3'
Protein context (NP_004982.2, residues 1032-1052): FTEIRNFIGN[Ser1042Asn]NHGSQSPRNV